The following is an entry in ClinVar:

ClinVar aggregate classification (germline): Conflicting classifications of pathogenicity. Review status: criteria provided, conflicting classifications (1 of 4 stars). 5 submissions from 5 submitters: Uncertain significance (3); Likely benign (1). 1 of the submissions does not count toward it. Last evaluated 2025-08-18.

Conditions:
Cardiovascular phenotype. Identifiers: MedGen CN230736.
Alstrom syndrome (ALMS). Identifiers: Orphanet 64, MedGen C0268425, MONDO:0008763, OMIM 203800.

Allele frequency attached by ClinVar (database versions not stated): ExAC 0.00002; gnomAD exomes 0.00003; gnomAD 0.00007; TOPMed 0.00008.
gnomAD v4.1: 51 of 1,614,012 alleles (0.0032%); highest among the groups gnomAD compares: African/African-American, 0.0053%; no homozygotes.

Submissions (5):

Ambry Genetics
Classification: Likely benign for Cardiovascular phenotype. Last evaluated: 2025-08-18. Review status: criteria provided, single submitter. Criteria: Ambry Variant Classification Scheme 2023. Collection method: clinical testing. Allele origin: germline.

GeneDx
Classification: Uncertain significance. Last evaluated: 2024-12-16. Review status: criteria provided, single submitter. Criteria: GeneDx Variant Classification Process June 2021. Collection method: clinical testing. Allele origin: germline. Affected: yes.
Comment: Has not been previously published as pathogenic or benign to our knowledge; In silico analysis does not support a benign or deleterious effect of this variant on protein structure/function

Women's Health and Genetics/Laboratory Corporation of America, LabCorp
Classification: Uncertain significance. Last evaluated: 2022-07-02. Review status: criteria provided, single submitter. Criteria: LabCorp Variant Classification Summary - May 2015. Collection method: clinical testing. Allele origin: germline.

Labcorp Genetics (formerly Invitae), Labcorp
Classification: Uncertain significance for Alstrom syndrome. Last evaluated: 2022-07-01. Review status: criteria provided, single submitter. Criteria: Invitae Variant Classification Sherloc (09022015). Collection method: clinical testing. Allele origin: germline.
Comment: This sequence change replaces serine, which is neutral and polar, with asparagine, which is neutral and polar, at codon 3151 of the ALMS1 protein (p.Ser3151Asn). This variant is present in population databases (rs34029285, gnomAD 0.02%). This variant has not been reported in the literature in individuals affected with ALMS1-related conditions. ClinVar contains an entry for this variant (Variation ID: 968335). Algorithms developed to predict the effect of missense changes on protein structure and function output the following: SIFT: "Not Available"; PolyPhen-2: "Not Available"; Align-GVGD: "Not Available". The asparagine amino acid residue is found in multiple mammalian species, which suggests that this missense change does not adversely affect protein function. In summary, the available evidence is currently insufficient to determine the role of this variant in disease. Therefore, it has been classified as a Variant of Uncertain Significance.

Natera, Inc.
Classification: Uncertain significance for Alstrom syndrome. Last evaluated: 2021-10-07. Review status: no assertion criteria provided. Collection method: clinical testing. Allele origin: germline. Not counted in ClinVar's aggregate classification.

NM_001378454.1(ALMS1):c.9449G>A (p.Ser3150Asn)

Gene: ALMS1 (ALMS1 centrosome and basal body associated protein; plus strand). Cytogenetic location: 2p13.1.
Variant type: single nucleotide variant.
Coding change: c.9449G>A on transcript NM_001378454.1 (MANE Select); coding-DNA position 9449, G replaced by A.
Protein change: p.Ser3150Asn; replaces serine 3150 with asparagine.
Molecular consequence: missense variant.
Genome position (GRCh38, 1-based): chr2:73,491,408, G>A. VCF-style: chr2-73491408-G-A. GRCh37 (hg19) VCF-style: chr2-73718535-G-A.
Other names: c.9452G>A, p.Ser3151Asn (NM_015120.4); short protein forms S3150N, S3151N.
Identifiers: ClinVar variation 968335 (VCV000968335.13), dbSNP rs34029285, ClinGen allele CA1714660.